The following is an entry in ClinVar:

ClinVar aggregate classification (germline): Uncertain significance (1 of 4 stars; one submission).

Conditions:
POLD1-related polyposis and colorectal cancer syndrome (CRCS10). Also called: Colorectal cancer 10; COLORECTAL CANCER, SUSCEPTIBILITY TO, ON CHROMOSOME 19q; Colorectal cancer, susceptibility to, 10. Identifiers: Orphanet 220460, MedGen C2675481, MONDO:0012953, OMIM 612591.

Submission:

Labcorp Genetics (formerly Invitae), Labcorp
Classification: Uncertain significance for POLD1-related polyposis and colorectal cancer syndrome. Last evaluated: 2020-08-15. Review status: criteria provided, single submitter. Criteria: Invitae Variant Classification Sherloc (09022015). Collection method: clinical testing. Allele origin: germline.
Comment: Algorithms developed to predict the effect of missense changes on protein structure and function are either unavailable or do not agree on the potential impact of this missense change (SIFT: "Deleterious"; PolyPhen-2: "Probably Damaging"; Align-GVGD: "Class C0"). In summary, the available evidence is currently insufficient to determine the role of this variant in disease. Therefore, it has been classified as a Variant of Uncertain Significance. This variant has not been reported in the literature in individuals with POLD1-related conditions. This variant is not present in population databases (ExAC no frequency). This sequence change replaces proline with serine at codon 972 of the POLD1 protein (p.Pro972Ser). The proline residue is highly conserved and there is a moderate physicochemical difference between proline and serine.

NM_002691.4(POLD1):c.2914C>T (p.Pro972Ser)

Gene: POLD1 (DNA polymerase delta 1, catalytic subunit; plus strand). Cytogenetic location: 19q13.33.
Variant type: single nucleotide variant.
Coding change: c.2914C>T on transcript NM_002691.4 (MANE Select); coding-DNA position 2914, C replaced by T.
Protein change: p.Pro972Ser; replaces proline 972 with serine.
Molecular consequence: missense variant. On other transcripts: non-coding transcript variant (1).
Genome position (GRCh38, 1-based): chr19:50,416,489, C>T. VCF-style: chr19-50416489-C-T. GRCh37 (hg19) VCF-style: chr19-50919746-C-T.
Other names: c.2914C>T, p.Pro972Ser (NM_001256849.1); c.2992C>T, p.Pro998Ser (NM_001308632.1); short protein forms P972S, P998S.
Identifiers: ClinVar variation 1051950 (VCV001051950.9), dbSNP rs1601246603, ClinGen allele CA406986576.